The following is an entry in ClinVar:

ClinVar aggregate classification (germline): Likely benign. Review status: criteria provided, multiple submitters, no conflicts (2 of 4 stars). 3 submissions from 3 submitters: Likely benign (2). 1 of the submissions does not count toward it. Last evaluated 2026-01-26.

Conditions:
HERC1-related disorder. Also called: HERC1-related condition.

Allele frequency attached by ClinVar (database versions not stated): gnomAD 0.00014; TOPMed 0.00015; ExAC 0.00021; gnomAD exomes 0.00024; ESP Exome Variant Server 0.00025.
gnomAD v4.1: 373 of 1,579,026 alleles (0.024%); highest among the groups gnomAD compares: Non-Finnish European, 0.03%; no homozygotes.

Submissions (3):

Labcorp Genetics (formerly Invitae), Labcorp
Classification: Likely benign. Last evaluated: 2026-01-26. Review status: criteria provided, single submitter. Criteria: Invitae Variant Classification Sherloc (09022015). Collection method: clinical testing. Allele origin: germline.

CeGaT Center for Human Genetics Tuebingen
Classification: Likely benign. Last evaluated: 2024-03-01. Review status: criteria provided, single submitter. Criteria: CeGaT Center For Human Genetics Tuebingen Variant Classification Criteria Version 2. Collection method: clinical testing. Allele origin: germline. Affected: yes. Observed: 1 variant allele.
Comment: HERC1: BP4, BP7

PreventionGenetics, part of Exact Sciences
Classification: Likely benign for HERC1-related condition. Last evaluated: 2021-06-17. Review status: no assertion criteria provided. Collection method: clinical testing. Allele origin: germline. Not counted in ClinVar's aggregate classification.
Comment: This variant is classified as likely benign based on ACMG/AMP sequence variant interpretation guidelines (Richards et al. 2015 PMID: 25741868, with internal and published modifications).

NM_003922.4(HERC1):c.1938T>C (p.Cys646=)

Gene: HERC1 (HECT and RLD domain containing E3 ubiquitin protein ligase family member 1; minus strand). Cytogenetic location: 15q22.31.
Variant type: single nucleotide variant.
Coding change: c.1938T>C on transcript NM_003922.4 (MANE Select); coding-DNA position 1938, T replaced by C.
Protein change: p.Cys646=; no amino-acid change (cysteine 646 retained).
Molecular consequence: synonymous variant.
Genome position (GRCh38, 1-based): chr15:63,749,756, A>G on the plus strand (T>C on the coding strand, the complement: HERC1 is on the minus strand). VCF-style: chr15-63749756-A-G. GRCh37 (hg19) VCF-style: chr15-64041955-A-G.
Identifiers: ClinVar variation 3036161 (VCV003036161.24), dbSNP rs375595382, ClinGen allele CA7606352.
Genomic context (GRCh38, chr15:63,749,756, plus strand): 5'-TCTTGTGGCAGCCAGTTCTTCAATAAGCTTGGGTCTCAAAGCAGTAGCTTCTGAAGAACC[A>G]CAACCTAGACAAGCTCCACAGCCCCAAGCATAGACCTGAAAAAAACAGAAATACGTTACA-3'
Protein context (NP_003913.3, residues 636-656): YAWGCGACLG[Cys646=]GSSEATALRP